The following is an entry in ClinVar:

ClinVar aggregate classification (germline): Benign. Review status: criteria provided, multiple submitters, no conflicts (2 of 4 stars). 3 submissions from 3 submitters: Benign (2). 1 of the submissions does not count toward it. Last evaluated 2026-02-01.

Conditions:
LIG1-related disorder. Also called: LIG1-related condition.

Allele frequency attached by ClinVar (database versions not stated): gnomAD exomes 0.00290 and 0.00101; ExAC 0.00348; 1000 Genomes Project 0.01098; gnomAD 0.01147 and 0.01236; 1000 Genomes Project 30x 0.01156; TOPMed 0.01326; ESP Exome Variant Server 0.01384.
gnomAD v4.1: 3,300 of 1,614,120 alleles (0.2%); highest among the groups gnomAD compares: African/African-American, 3.9%; 56 homozygotes.

Submissions (3):

Labcorp Genetics (formerly Invitae), Labcorp
Classification: Benign. Last evaluated: 2026-02-01. Review status: criteria provided, single submitter. Criteria: Invitae Variant Classification Sherloc (09022015). Collection method: clinical testing. Allele origin: germline.

Breakthrough Genomics
Classification: Benign. Review status: criteria provided, single submitter. Criteria: ACMG Guidelines, 2015. Collection method: not provided. Allele origin: germline. Inheritance: Autosomal recessive inheritance. Affected: yes.

PreventionGenetics, part of Exact Sciences
Classification: Benign for LIG1-related condition. Last evaluated: 2019-07-11. Review status: no assertion criteria provided. Collection method: clinical testing. Allele origin: germline. Not counted in ClinVar's aggregate classification.
Comment: This variant is classified as benign based on ACMG/AMP sequence variant interpretation guidelines (Richards et al. 2015 PMID: 25741868, with internal and published modifications).

NM_000234.3(LIG1):c.1841C>T (p.Thr614Ile)

Gene: LIG1 (DNA ligase 1; minus strand). Cytogenetic location: 19q13.33.
Variant type: single nucleotide variant.
Coding change: c.1841C>T on transcript NM_000234.3 (MANE Select); coding-DNA position 1841, C replaced by T.
Protein change: p.Thr614Ile; replaces threonine 614 with isoleucine.
Molecular consequence: missense variant. On other transcripts: non-coding transcript variant (6).
Genome position (GRCh38, 1-based): chr19:48,128,001, G>A on the plus strand (C>T on the coding strand, the complement: LIG1 is on the minus strand). VCF-style: chr19-48128001-G-A. GRCh37 (hg19) VCF-style: chr19-48631258-G-A.
Other names: c.1748C>T, p.Thr583Ile (NM_001289063.2); c.1637C>T, p.Thr546Ile (NM_001289064.2); c.1838C>T, p.Thr613Ile (NM_001320970.2); c.1751C>T, p.Thr584Ile (NM_001320971.2); c.1841C>T (NM_000234.2); short protein forms T546I, T583I, T584I, T613I, T614I.
Identifiers: ClinVar variation 1164605 (VCV001164605.12), dbSNP rs3731003, ClinGen allele CA9546661.
Genomic context (GRCh38, chr19:48,128,001, plus strand): 5'-GGCTGGATCTGCTTCTTTTCCCGGTCCCAAGCCACGGCTTCGGTGTCCAGGATGAAGGAT[G>A]TGACCGATGGGAGTTTAATCTGAAAAGTGAAGGGAGAGACCCAGGGCCTGAGAGAGGTGG-3'
Protein context (NP_000225.1, residues 604-624): RIPKIKLPSV[Thr614Ile]SFILDTEAVA